The following is an entry in ClinVar:

ClinVar aggregate classification (germline): Benign/Likely benign. Review status: criteria provided, multiple submitters, no conflicts (2 of 4 stars). 10 submissions from 10 submitters: Benign (9); Likely benign (1). Last evaluated 2026-02-04.

Conditions:
Hereditary cancer-predisposing syndrome. Also called: Hereditary Cancer Syndrome; Tumor predisposition; Hereditary neoplastic syndrome; Neoplastic Syndromes, Hereditary. Identifiers: Orphanet 140162, MedGen C0027672, MeSH D009386, MONDO:0015356.
Hereditary breast ovarian cancer syndrome. Also called: Hereditary breast and ovarian cancer syndrome (HBOC); Breast and ovarian cancer; Hereditary breast and/or ovarian cancer syndrome; Hereditary breast and ovarian cancer; Hereditary breast and ovarian cancer syndrome; BRCA1- and BRCA2-Associated Hereditary Breast and Ovarian Cancer. Identifiers: Orphanet 145, MedGen C0677776, MeSH D061325, MONDO:0003582. Disease mechanism: loss of function.
Familial cancer of breast. Also called: Hereditary breast cancer; hereditary breast carcinoma; BREAST CANCER, FAMILIAL. Identifiers: Orphanet 227535, MedGen C0346153, MONDO:0016419, OMIM 114480. Disease mechanism: loss of function.

Allele frequency attached by ClinVar (database versions not stated): TOPMed 0.35389; ESP Exome Variant Server 0.35953; 1000 Genomes Project 0.36522; 1000 Genomes Project 30x 0.36555; gnomAD exomes 0.36832 and 0.37335; gnomAD 0.37148 and 0.37211; ExAC 0.38181.
gnomAD v4.1: 585,294 of 1,588,134 alleles (37%); highest among the groups gnomAD compares: South Asian, 41%; 108,729 homozygotes.

Submissions (11):

Labcorp Genetics (formerly Invitae), Labcorp
Classification: Benign for Familial cancer of breast. Last evaluated: 2026-02-04. Review status: criteria provided, single submitter. Criteria: Invitae Variant Classification Sherloc (09022015). Collection method: clinical testing. Allele origin: germline.

GeneKor MSA
Classification: Benign for Hereditary cancer-predisposing syndrome. Last evaluated: 2025-07-10. Review status: criteria provided, single submitter. Criteria: ACMG Guidelines, 2015. Collection method: clinical testing. Allele origin: germline.

Blueprint Genetics
Classification: Likely benign. Last evaluated: 2024-11-26. Review status: criteria provided, single submitter. Criteria: ACMG Guidelines, 2015. Collection method: clinical testing. Allele origin: germline.

Myriad Genetics, Inc.
Classification: Benign for Familial cancer of breast. Last evaluated: 2024-07-24. Review status: criteria provided, single submitter. Criteria: Myriad Autosomal Dominant, Autosomal Recessive and X-Linked Classification Criteria (2023). Collection method: clinical testing. Allele origin: unknown.
Comment: This variant is considered benign. This variant is intronic and is not expected to impact mRNA splicing. This variant has been observed at a population frequency that is significantly greater than expected given the associated disease prevalence and penetrance.

KCCC/NGS Laboratory, Kuwait Cancer Control Center
Classification: Benign for Familial cancer of breast. Last evaluated: 2023-07-07. Review status: criteria provided, single submitter. Criteria: ACMG Guidelines, 2015. Collection method: clinical testing. Allele origin: germline. Affected: yes.

National Health Laboratory Service, Universitas Academic Hospital and University of the Free State
Classification: Benign for Hereditary breast ovarian cancer syndrome. Last evaluated: 2022-04-19. Review status: criteria provided, single submitter. Criteria: ACMG Guidelines, 2015. Collection method: clinical testing. Allele origin: germline. Affected: yes. Observed: 158 variant alleles.

Color Diagnostics, LLC DBA Color Health
Classification: Benign for Hereditary cancer-predisposing syndrome. Last evaluated: 2015-03-31. Review status: criteria provided, single submitter. Criteria: ACMG Guidelines, 2015. Collection method: clinical testing. Allele origin: germline.

GeneDx
Classification: Benign. Last evaluated: 2015-03-03. Review status: criteria provided, single submitter. Criteria: GeneDx Variant Classification Process June 2021. Collection method: clinical testing. Allele origin: germline. Affected: yes.

Breakthrough Genomics
Classification: Benign. Review status: criteria provided, single submitter. Criteria: ACMG Guidelines, 2015. Collection method: not provided. Allele origin: germline. Inheritance: Autosomal dominant inheritance. Affected: yes.

PreventionGenetics, part of Exact Sciences
Classification: Benign. Review status: criteria provided, single submitter. Criteria: ACMG Guidelines, 2015. Collection method: clinical testing. Allele origin: germline.

Dr. Peter K. Rogan Lab, Western University
No classification provided (evidence only). Condition: Familial cancer of breast. Review status: no classification provided. Collection method: in vitro. Allele origin: not applicable. Functional consequence: retained intron. Not counted in ClinVar's aggregate classification.

NM_000465.4(BARD1):c.1315-19G>A

Gene: BARD1 (BRCA1 associated RING domain 1; minus strand). Cytogenetic location: 2q35.
Variant type: single nucleotide variant.
Coding change: c.1315-19G>A on transcript NM_000465.4 (MANE Select); 19 bases into the intron before coding-DNA position 1315, G replaced by A.
Molecular consequence: intron variant.
Genome position (GRCh38, 1-based): chr2:214,769,331, C>T on the plus strand (G>A on the coding strand, the complement: BARD1 is on the minus strand). VCF-style: chr2-214769331-C-T. GRCh37 (hg19) VCF-style: chr2-215634055-C-T.
Other names: c.1315-19G>A (LRG_297t1); c.159-16776G>A (NM_001282548.2); c.1258-19G>A (NM_001282543.2); c.216-16776G>A (NM_001282545.2); c.364+22966G>A (NM_001282549.2).
Identifiers: ClinVar variation 256213 (VCV000256213.21), dbSNP rs6704780, ClinGen allele CA2090292.